The following is an entry in ClinVar:

ClinVar aggregate classification (germline): Uncertain significance (1 of 4 stars; one submission).

Submission:

Labcorp Genetics (formerly Invitae), Labcorp
Classification: Uncertain significance. Last evaluated: 2022-07-13. Review status: criteria provided, single submitter. Criteria: Invitae Variant Classification Sherloc (09022015). Collection method: clinical testing. Allele origin: germline.
Comment: This variant has not been reported in the literature in individuals affected with ADAMTS17-related conditions. This sequence change replaces histidine, which is basic and polar, with aspartic acid, which is acidic and polar, at codon 492 of the ADAMTS17 protein (p.His492Asp). This variant is not present in population databases (gnomAD no frequency). Algorithms developed to predict the effect of missense changes on protein structure and function are either unavailable or do not agree on the potential impact of this missense change (SIFT: "Not Available"; PolyPhen-2: "Probably Damaging"; Align-GVGD: "Not Available"). In summary, the available evidence is currently insufficient to determine the role of this variant in disease. Therefore, it has been classified as a Variant of Uncertain Significance.

NM_139057.4(ADAMTS17):c.1474C>G (p.His492Asp)

Gene: ADAMTS17 (ADAM metallopeptidase with thrombospondin type 1 motif 17; minus strand). Cytogenetic location: 15q26.3.
Variant type: single nucleotide variant.
Coding change: c.1474C>G on transcript NM_139057.4 (MANE Select); coding-DNA position 1474, C replaced by G.
Protein change: p.His492Asp; replaces histidine 492 with aspartic acid.
Molecular consequence: missense variant.
Genome position (GRCh38, 1-based): chr15:100,133,315, G>C on the plus strand (C>G on the coding strand, the complement: ADAMTS17 is on the minus strand). VCF-style: chr15-100133315-G-C. GRCh37 (hg19) VCF-style: chr15-100673520-G-C.
Other names: short protein forms H492D.
Identifiers: ClinVar variation 2016677 (VCV002016677.4), dbSNP rs182865620, ClinGen allele CA393934020.
Genomic context (GRCh38, chr15:100,133,315, plus strand): 5'-GCTTGGTCTTGCAGGATGTGTCTCCTTCTACCAGGCACCACAGTCCAGCACACATTAGAT[G>C]CTGCAGGACAAGGGAAGGAACCATAATTGTGGAGAACACCCACACTCACAGGTCACAGCT-3'
Protein context (NP_620688.2, residues 482-502): MNATFCRNME[His492Asp]LMCAGLWCLV